The following is an entry in ClinVar:

NM_016441.3(CRIM1):c.324T>C (p.Val108=)

Gene: CRIM1 (cysteine rich transmembrane BMP regulator 1). Cytogenetic location: 2p22.2.
Variant type: single nucleotide variant.
Coding change: c.324T>C on transcript NM_016441.3 (MANE Select); coding-DNA position 324, T replaced by C.
Protein change: p.Val108=; no amino-acid change (valine 108 retained).
Molecular consequence: synonymous variant.
Genome position (GRCh38, 1-based): chr2:36,356,616, T>C. VCF-style: chr2-36356616-T-C. GRCh37 (hg19) VCF-style: chr2-36583759-T-C.
Identifiers: ClinVar variation 708457 (VCV000708457.6), dbSNP rs140753944, ClinGen allele CA1609828.

ClinVar aggregate classification (germline): Benign. Review status: criteria provided, single submitter (1 of 4 stars). 2 submissions from 2 submitters: Benign (1). 1 of the submissions does not count toward it. Last evaluated 2019-12-31.

Conditions:
CRIM1-related disorder. Also called: CRIM1-related condition.

Allele frequency attached by ClinVar (database versions not stated): gnomAD exomes 0.00044 and 0.00131; ExAC 0.00169; gnomAD 0.00260 and 0.00265; ESP Exome Variant Server 0.00293; TOPMed 0.00317; 1000 Genomes Project 0.00459; 1000 Genomes Project 30x 0.00547.
gnomAD v4.1: 1,055 of 1,606,594 alleles (0.066%); highest among the groups gnomAD compares: African/African-American, 0.84%; 7 homozygotes.

Submissions (2):

Labcorp Genetics (formerly Invitae), Labcorp
Classification: Benign. Last evaluated: 2019-12-31. Review status: criteria provided, single submitter. Criteria: Invitae Variant Classification Sherloc (09022015). Collection method: clinical testing. Allele origin: germline.

PreventionGenetics, part of Exact Sciences
Classification: Benign for CRIM1-related condition. Last evaluated: 2019-10-28. Review status: no assertion criteria provided. Collection method: clinical testing. Allele origin: germline. Not counted in ClinVar's aggregate classification.
Comment: This variant is classified as benign based on ACMG/AMP sequence variant interpretation guidelines (Richards et al. 2015 PMID: 25741868, with internal and published modifications).